The following is an entry in ClinVar:

ClinVar aggregate classification (germline): Conflicting classifications of pathogenicity. Review status: criteria provided, conflicting classifications (1 of 4 stars). 3 submissions from 3 submitters: Uncertain significance (2); Likely benign (1). Last evaluated 2026-06-01.

Conditions:
Hearing loss, autosomal dominant 82. Also called: Deafness, autosomal dominant 82. Identifiers: MedGen C5676948, MONDO:0030719, OMIM 619804.

Allele frequency attached by ClinVar (database versions not stated): gnomAD 0.00003; gnomAD exomes 0.00007; ExAC 0.00022; 1000 Genomes Project 30x 0.00031; 1000 Genomes Project 0.00040; TOPMed 0.00001.
gnomAD v4.1: 112 of 1,600,954 alleles (0.007%); highest among the groups gnomAD compares: South Asian, 0.11%; 1 homozygote.

Submissions (3):

CeGaT Center for Human Genetics Tuebingen
Classification: Likely benign. Last evaluated: 2026-06-01. Review status: criteria provided, single submitter. Criteria: CeGaT Center For Human Genetics Tuebingen Variant Classification Criteria Version 2. Collection method: clinical testing. Allele origin: germline. Affected: yes. Observed: 1 variant allele.
Comment: ATP2B2: BS1

Ambry Genetics
Classification: Uncertain significance. Last evaluated: 2025-08-01. Review status: criteria provided, single submitter. Criteria: Ambry Variant Classification Scheme 2023. Collection method: clinical testing. Allele origin: germline.

Revvity Omics, Revvity
Classification: Uncertain significance for Hearing loss, autosomal dominant 82. Last evaluated: 2021-05-04. Review status: criteria provided, single submitter. Criteria: ACMG Guidelines, 2015. Collection method: clinical testing. Allele origin: germline.

NM_001001331.4(ATP2B2):c.1046A>G (p.Lys349Arg)

Gene: ATP2B2 (ATPase plasma membrane Ca2+ transporting 2; minus strand). Cytogenetic location: 3p25.3.
Variant type: single nucleotide variant.
Coding change: c.1046A>G on transcript NM_001001331.4 (MANE Select); coding-DNA position 1046, A replaced by G.
Protein change: p.Lys349Arg; replaces lysine 349 with arginine.
Molecular consequence: missense variant.
Genome position (GRCh38, 1-based): chr3:10,378,407, T>C on the plus strand (A>G on the coding strand, the complement: ATP2B2 is on the minus strand). VCF-style: chr3-10378407-T-C. GRCh37 (hg19) VCF-style: chr3-10420091-T-C.
Other names: c.911A>G, p.Lys304Arg (NM_001330611.3, NM_001353564.1, NM_001363862.1 and 1 more transcripts); c.911A>G (NM_001683.3); short protein forms K304R, K349R.
Identifiers: ClinVar variation 2439377 (VCV002439377.6), dbSNP rs536636171, ClinGen allele CA2253761.